The following is an entry in ClinVar:

NM_002691.4(POLD1):c.2443T>G (p.Ser815Ala)

Gene: POLD1 (DNA polymerase delta 1, catalytic subunit; plus strand). Cytogenetic location: 19q13.33.
Variant type: single nucleotide variant.
Coding change: c.2443T>G on transcript NM_002691.4 (MANE Select); coding-DNA position 2443, T replaced by G.
Protein change: p.Ser815Ala; replaces serine 815 with alanine.
Molecular consequence: missense variant. On other transcripts: non-coding transcript variant (1).
Genome position (GRCh38, 1-based): chr19:50,414,869, T>G. VCF-style: chr19-50414869-T-G. GRCh37 (hg19) VCF-style: chr19-50918126-T-G.
Other names: c.2443T>G, p.Ser815Ala (NM_001256849.1); c.2521T>G, p.Ser841Ala (NM_001308632.1); c.2443T>G (NM_002691.2); short protein forms S815A, S841A.
Identifiers: ClinVar variation 1006069 (VCV001006069.9), dbSNP rs1199740511, ClinGen allele CA406984740.

ClinVar aggregate classification (germline): Conflicting classifications of pathogenicity. Review status: criteria provided, conflicting classifications (1 of 4 stars). 2 submissions from 2 submitters: Uncertain significance (1); Likely benign (1). Last evaluated 2026-05-11.

Conditions:
Hereditary cancer-predisposing syndrome. Also called: Tumor predisposition; Hereditary Cancer Syndrome; Hereditary neoplastic syndrome; Neoplastic Syndromes, Hereditary. Identifiers: Orphanet 140162, MedGen C0027672, MeSH D009386, MONDO:0015356.
POLD1-related polyposis and colorectal cancer syndrome (CRCS10). Also called: Colorectal cancer 10; COLORECTAL CANCER, SUSCEPTIBILITY TO, ON CHROMOSOME 19q; Colorectal cancer, susceptibility to, 10. Identifiers: Orphanet 220460, MedGen C2675481, MONDO:0012953, OMIM 612591.

Submissions (2):

Ambry Genetics
Classification: Likely benign for Hereditary cancer-predisposing syndrome. Last evaluated: 2026-05-11. Review status: criteria provided, single submitter. Criteria: Ambry Variant Classification Scheme 2023. Collection method: clinical testing. Allele origin: germline.

Labcorp Genetics (formerly Invitae), Labcorp
Classification: Uncertain significance for POLD1-related polyposis and colorectal cancer syndrome. Last evaluated: 2022-08-31. Review status: criteria provided, single submitter. Criteria: Invitae Variant Classification Sherloc (09022015). Collection method: clinical testing. Allele origin: germline.
Comment: This sequence change replaces serine, which is neutral and polar, with alanine, which is neutral and non-polar, at codon 815 of the POLD1 protein (p.Ser815Ala). This variant is not present in population databases (gnomAD no frequency). This variant has not been reported in the literature in individuals affected with POLD1-related conditions. ClinVar contains an entry for this variant (Variation ID: 1006069). Algorithms developed to predict the effect of missense changes on protein structure and function are either unavailable or do not agree on the potential impact of this missense change (SIFT: "Deleterious"; PolyPhen-2: "Possibly Damaging"; Align-GVGD: "Class C0"). In summary, the available evidence is currently insufficient to determine the role of this variant in disease. Therefore, it has been classified as a Variant of Uncertain Significance.